The following is an entry in ClinVar:

ClinVar aggregate classification (germline): Uncertain significance (1 of 4 stars; one submission).

Submission:

Labcorp Genetics (formerly Invitae), Labcorp
Classification: Uncertain significance. Last evaluated: 2022-06-18. Review status: criteria provided, single submitter. Criteria: Invitae Variant Classification Sherloc (09022015). Collection method: clinical testing. Allele origin: germline.
Comment: This variant, c.105_128del, results in the deletion of 8 amino acid(s) of the DLX6 protein (p.Gln37_Gln44del), but otherwise preserves the integrity of the reading frame. The frequency data for this variant in the population databases is considered unreliable, as metrics indicate poor data quality at this position in the gnomAD database. This variant has not been reported in the literature in individuals affected with DLX6-related conditions. Experimental studies and prediction algorithms are not available or were not evaluated, and the functional significance of this variant is currently unknown. In summary, the available evidence is currently insufficient to determine the role of this variant in disease. Therefore, it has been classified as a Variant of Uncertain Significance.

NM_005222.4(DLX6):c.81GCAGCAGCAGCAGCAGCAACAGCA[1] (p.Gln37_Gln44del)

Genes: DLX6 (distal-less homeobox 6; plus strand), DLX6-AS1 (DLX6 antisense RNA 1; minus strand). Cytogenetic location: 7q21.3.
Variant type: Microsatellite.
Coding change: c.81GCAGCAGCAGCAGCAGCAACAGCA[1] on transcript NM_005222.4 (MANE Select); one copy of the 24-base unit GCAGCAGCAGCAGCAGCAACAGCA starting at c.81; the reference has two copies in a row; one copy, 24 bases deleted.
Protein change: p.Gln37_Gln44del.
Molecular consequence: inframe deletion.
Genome position (GRCh38, 1-based): chr7:97,006,082-97,006,105, GCAGCAGCAGCAGCAGCAACAGCA deleted; deleting any 24 consecutive bases within chr7:97,006,053-97,006,105 gives the same sequence; the position shown is the placement nearest the transcript's 3' end. VCF-style (leftmost placement, unchanged base first): chr7-97006052-GCAGCAGCAGCAGCAGCAGCAGCAA-G. GRCh37 (hg19) VCF-style: chr7-96635364-GCAGCAGCAGCAGCAGCAGCAGCAA-G.
Identifiers: ClinVar variation 1463454 (VCV001463454.8), dbSNP rs775320932, ClinGen allele CA4353684.